The following continues an entry in ClinVar:

NM_000038.6(APC):c.7402T>C (p.Ser2468Pro)

Gene: APC. ClinVar aggregate classification (germline): Conflicting classifications of pathogenicity. Uncertain significance (14); Likely benign (2).

Submissions 14 to 17 of 17:

Women's Health and Genetics/Laboratory Corporation of America, LabCorp
Classification: Uncertain significance. Last evaluated: 2021-06-28. Review status: criteria provided, single submitter. Criteria: LabCorp Variant Classification Summary - May 2015. Collection method: clinical testing. Allele origin: germline.
Comment: Variant summary: APC c.7402T>C (p.Ser2468Pro) results in a non-conservative amino acid change located in the adenomatous polyposis coli protein basic domain (IPR009234) of the encoded protein sequence. Four of five in-silico tools predict a damaging effect of the variant on protein function. The variant allele was found at a frequency of 1.6e-05 in 251118 control chromosomes. The available data on variant occurrences in the general population are insufficient to allow any conclusion about variant significance. c.7402T>C has been reported in the literature in an individual affected with breast cancer (Tung 2014), however this report does not provide unequivocal conclusions about association of the variant with Familial Adenomatous Polyposis. Co-occurrence with another pathogenic variant has been reported in a colorectal carcinoma patient (Rohlin 2016: PMS2 c.861_864delACAG, p.Arg287fsX19), providing supporting evidence for a benign role. To our knowledge, no experimental evidence demonstrating an impact on protein function has been reported. Six clinical diagnostic laboratories have submitted clinical-significance assessments for this variant to ClinVar after 2014 without evidence for independent evaluation. All laboratories classified the variant as uncertain significance. Based on the evidence outlined above, the variant was classified as uncertain significance.

Sema4
Classification: Uncertain significance for Hereditary cancer-predisposing syndrome. Last evaluated: 2021-05-17. Review status: criteria provided, single submitter. Criteria: Sema4 Curation Guidelines. Collection method: curation. Allele origin: germline.
Comment: The APC c.7402T>C (p.S2468P) variant has been reported in heterozygosity in at least two individuals, one with breast cancer and the other with colorectal and endometrial cancer (PMID: 25186627, 27696107).This variant was observed in 2/24960 chromosomes in the African population according to the Genome Aggregation Database (PMID: 32461654) and has been reported in ClinVar (Variation ID: 184474). In silico tools suggest the impact of the variant on protein function is inconclusive, though these predictions have not been confirmed by functional studies. Based on the current evidence available, this variant is interpreted as a variant of uncertain significance.

CeGaT Center for Human Genetics Tuebingen
Classification: Uncertain significance. Last evaluated: 2020-08-01. Review status: criteria provided, single submitter. Criteria: CeGaT Center For Human Genetics Tuebingen Variant Classification Criteria Version 2. Collection method: clinical testing. Allele origin: germline. Affected: yes. Observed: 1 variant allele.

Counsyl
Classification: Uncertain significance for Familial adenomatous polyposis 1. Last evaluated: 2015-12-04. Review status: no assertion criteria provided. Collection method: clinical testing. Allele origin: unknown. Not counted in ClinVar's aggregate classification.

Literature cited by the submitters: PubMed 25186627 (cited by 8 submitters); PubMed 27696107 (cited by 6 submitters).